The following is an entry in ClinVar:

NM_033028.5(BBS4):c.642+1G>A

Gene: BBS4 (Bardet-Biedl syndrome 4; plus strand). Cytogenetic location: 15q24.1.
Variant type: single nucleotide variant.
Coding change: c.642+1G>A on transcript NM_033028.5 (MANE Select); the canonical splice donor site of the intron after coding-DNA position 642, G replaced by A.
Molecular consequence: splice donor variant.
Genome position (GRCh38, 1-based): chr15:72,727,995, G>A. VCF-style: chr15-72727995-G-A. GRCh37 (hg19) VCF-style: chr15-73020336-G-A.
Other names: c.642+1G>A (NM_001320665.2, NM_033028.4); c.126+1G>A (NM_001252678.2).
Identifiers: ClinVar variation 2195801 (VCV002195801.6), dbSNP rs1180642796, ClinGen allele CA393077555.

ClinVar aggregate classification (germline): Likely pathogenic. Review status: criteria provided, multiple submitters, no conflicts (2 of 4 stars). 3 submissions from 3 submitters: Likely pathogenic (3). Last evaluated 2026-06-04.

Conditions:
Bardet-Biedl syndrome (BBS). Identifiers: Orphanet 110, MedGen C0752166, MONDO:0015229.
Bardet-Biedl syndrome 4 (BBS4). Identifiers: Orphanet 110, MedGen C2936864, MONDO:0014433, OMIM 615982.
BBS4-related disorder. Also called: BBS4-related condition.

Allele frequency attached by ClinVar (database versions not stated): gnomAD 0.00001.
gnomAD v4.1: 2 of 1,609,722 alleles (0.00012%); highest among the groups gnomAD compares: South Asian, 0.0011%; no homozygotes.

Submissions (3):

PreventionGenetics, part of Exact Sciences
Classification: Likely pathogenic for BBS4-related condition. Last evaluated: 2026-06-04. Review status: criteria provided, single submitter. Criteria: ACMG Guidelines, 2015. Collection method: clinical testing. Allele origin: germline.
Comment: The BBS4 c.642+1G>A variant is predicted to disrupt the GT donor site and interfere with normal splicing. To our knowledge, this variant has not been reported in the literature. This variant is reported in 0.0033% of alleles in individuals of South Asian descent in gnomAD. Variants that disrupt the consensus splice donor site in BBS4 are expected to be pathogenic. This variant is interpreted as likely pathogenic.

Labcorp Genetics (formerly Invitae), Labcorp
Classification: Likely pathogenic for Bardet-Biedl syndrome. Last evaluated: 2025-07-21. Review status: criteria provided, single submitter. Criteria: Invitae Variant Classification Sherloc (09022015). Collection method: clinical testing. Allele origin: germline.
Comment: This sequence change affects a donor splice site in intron 9 of the BBS4 gene. It is expected to disrupt RNA splicing. Variants that disrupt the donor or acceptor splice site typically lead to a loss of protein function (PMID: 16199547), and loss-of-function variants in BBS4 are known to be pathogenic (PMID: 11381270, 12016587, 20177705, 26355662, 27894351). This variant is present in population databases (no rsID available, gnomAD 0.003%). Disruption of this splice site has been observed in individual(s) with retinitis pigmentosa (internal data). ClinVar contains an entry for this variant (Variation ID: 2195801). Algorithms developed to predict the effect of sequence changes on RNA splicing suggest that this variant may disrupt the consensus splice site. In summary, the currently available evidence indicates that the variant is pathogenic, but additional data are needed to prove that conclusively. Therefore, this variant has been classified as Likely Pathogenic.

Baylor Genetics
Classification: Likely pathogenic for Bardet-Biedl syndrome 4. Last evaluated: 2024-01-03. Review status: criteria provided, single submitter. Criteria: ACMG Guidelines, 2015. Collection method: clinical testing. Allele origin: unknown.

Literature cited by the submitters: PubMed 16199547 (cited by Labcorp Genetics (formerly Invitae), Labcorp); PubMed 11381270 (cited by Labcorp Genetics (formerly Invitae), Labcorp); PubMed 12016587 (cited by Labcorp Genetics (formerly Invitae), Labcorp); PubMed 20177705 (cited by Labcorp Genetics (formerly Invitae), Labcorp); PubMed 26355662 (cited by Labcorp Genetics (formerly Invitae), Labcorp); PubMed 27894351 (cited by Labcorp Genetics (formerly Invitae), Labcorp).